The following is an entry in ClinVar:

NM_001918.5(DBT):c.881T>A (p.Leu294Ter)

Gene: DBT (dihydrolipoamide branched chain transacylase E2; minus strand). Cytogenetic location: 1p21.2.
Variant type: single nucleotide variant.
Coding change: c.881T>A on transcript NM_001918.5 (MANE Select); coding-DNA position 881, T replaced by A.
Protein change: p.Leu294Ter; replaces leucine 294 with a stop codon.
Molecular consequence: nonsense. On other transcripts: non-coding transcript variant (4).
Genome position (GRCh38, 1-based): chr1:100,214,875, A>T on the plus strand (T>A on the coding strand, the complement: DBT is on the minus strand). VCF-style: chr1-100214875-A-T. GRCh37 (hg19) VCF-style: chr1-100680431-A-T.
Other names: c.338T>A, p.Leu113Ter (NM_001399969.1, NM_001399972.1); short protein forms L113*, L294*.
Identifiers: ClinVar variation 2904467 (VCV002904467.3), dbSNP rs2524147444, ClinGen allele CA341337333.

ClinVar aggregate classification (germline): Pathogenic (1 of 4 stars; one submission).

Conditions:
Maple syrup urine disease (MSUD). Identifiers: Orphanet 511, MedGen C0024776, MeSH D008375, MONDO:0009563. Disease mechanism: loss of function.

Allele frequency attached by ClinVar (database versions not stated): gnomAD exomes below 0.00001.
gnomAD v4.1: 1 of 1,614,158 alleles (0.000062%); highest among the groups gnomAD compares: Non-Finnish European, 0.000085%; no homozygotes.

Submission:

Labcorp Genetics (formerly Invitae), Labcorp
Classification: Pathogenic for Maple syrup urine disease. Last evaluated: 2024-01-28. Review status: criteria provided, single submitter. Criteria: Invitae Variant Classification Sherloc (09022015). Collection method: clinical testing. Allele origin: germline.
Comment: This sequence change creates a premature translational stop signal (p.Leu294*) in the DBT gene. It is expected to result in an absent or disrupted protein product. Loss-of-function variants in DBT are known to be pathogenic (PMID: 16579849, 16786533). This variant is not present in population databases (gnomAD no frequency). This variant has not been reported in the literature in individuals affected with DBT-related conditions. For these reasons, this variant has been classified as Pathogenic.

Literature cited by the submitters: PubMed 16579849; PubMed 16786533.